The following is an entry in ClinVar:

NM_033310.3(KCNK4):c.684C>A (p.Ser228=)

Genes: KCNK4 (potassium two pore domain channel subfamily K member 4; plus strand), KCNK4-CATSPERZ (KCNK4-CATSPERZ readthrough (NMD candidate); plus strand). Cytogenetic location: 11q13.1.
Variant type: single nucleotide variant.
Coding change: c.684C>A on transcript NM_033310.3 (MANE Select); coding-DNA position 684, C replaced by A.
Protein change: p.Ser228=; no amino-acid change (serine 228 retained).
Molecular consequence: synonymous variant. On other transcripts: non-coding transcript variant (3).
Genome position (GRCh38, 1-based): chr11:64,298,132, C>A. VCF-style: chr11-64298132-C-A. GRCh37 (hg19) VCF-style: chr11-64065604-C-A.
Other names: c.684C>A, p.Ser228= (NM_001317090.2); c.684C>A (NM_033310.2).
Identifiers: ClinVar variation 1654455 (VCV001654455.38), dbSNP rs144212286, ClinGen allele CA6073145.
Genomic context (GRCh38, chr11:64,298,132, plus strand): 5'-CAATCCAATTCTTTCTACCTTCCCTGGTGGTATCCCAGGCGCGGACCCCAGGCAGGACTC[C>A]CCGGCCTATCAGCCGCTGGTGTGGTTCTGGATCCTGCTCGGCCTGGCTTACTTCGCCTCA-3'
Protein context (NP_201567.1, residues 218-238): YVAGADPRQD[Ser228=]PAYQPLVWFW

ClinVar aggregate classification (germline): Likely benign. Review status: criteria provided, multiple submitters, no conflicts (2 of 4 stars). 4 submissions from 4 submitters: Likely benign (3). 1 of the submissions does not count toward it. Last evaluated 2025-12-01.

Conditions:
KCNK4-related disorder. Also called: KCNK4-related condition.

Allele frequency attached by ClinVar (database versions not stated): 1000 Genomes Project 30x 0.00016; 1000 Genomes Project 0.00020; gnomAD exomes 0.00022; ExAC 0.00023; TOPMed 0.00024; gnomAD 0.00025; ESP Exome Variant Server 0.00054.
gnomAD v4.1: 350 of 1,613,824 alleles (0.022%); highest among the groups gnomAD compares: Middle Eastern, 0.13%; 2 homozygotes.

Submissions (4):

CeGaT Center for Human Genetics Tuebingen
Classification: Likely benign. Last evaluated: 2025-12-01. Review status: criteria provided, single submitter. Criteria: CeGaT Center For Human Genetics Tuebingen Variant Classification Criteria Version 2. Collection method: clinical testing. Allele origin: germline. Affected: yes. Observed: 9 variant alleles.
Comment: KCNK4: BP4, BP7

Labcorp Genetics (formerly Invitae), Labcorp
Classification: Likely benign. Last evaluated: 2025-12-01. Review status: criteria provided, single submitter. Criteria: Invitae Variant Classification Sherloc (09022015). Collection method: clinical testing. Allele origin: germline.

Blueprint Genetics
Classification: Likely benign. Last evaluated: 2024-11-22. Review status: criteria provided, single submitter. Criteria: ACMG Guidelines, 2015. Collection method: clinical testing. Allele origin: germline.

PreventionGenetics, part of Exact Sciences
Classification: Likely benign for KCNK4-related condition. Last evaluated: 2019-08-06. Review status: no assertion criteria provided. Collection method: clinical testing. Allele origin: germline. Not counted in ClinVar's aggregate classification.
Comment: This variant is classified as likely benign based on ACMG/AMP sequence variant interpretation guidelines (Richards et al. 2015 PMID: 25741868, with internal and published modifications).